The following is an entry in ClinVar:

NM_000535.7(PMS2):c.1585T>C (p.Ser529Pro)

Gene: PMS2 (PMS1 homolog 2, mismatch repair system component; minus strand). Cytogenetic location: 7p22.1.
Variant type: single nucleotide variant.
Coding change: c.1585T>C on transcript NM_000535.7 (MANE Select); coding-DNA position 1585, T replaced by C.
Protein change: p.Ser529Pro; replaces serine 529 with proline.
Molecular consequence: missense variant. On other transcripts: non-coding transcript variant (1).
Genome position (GRCh38, 1-based): chr7:5,987,180, A>G on the plus strand (T>C on the coding strand, the complement: PMS2 is on the minus strand). VCF-style: chr7-5987180-A-G. GRCh37 (hg19) VCF-style: chr7-6026811-A-G.
Other names: c.1180T>C, p.Ser394Pro (NM_001322003.2, NM_001322004.2, NM_001322005.2 and 1 more transcripts); c.1429T>C, p.Ser477Pro (NM_001322006.2); c.1267T>C, p.Ser423Pro (NM_001322007.2, NM_001322008.2); c.1024T>C, p.Ser342Pro (NM_001322010.2); c.652T>C, p.Ser218Pro (NM_001322011.2, NM_001322012.2); c.1012T>C, p.Ser338Pro (NM_001322013.2); c.1585T>C, p.Ser529Pro (NM_001322014.2); c.1276T>C, p.Ser426Pro (NM_001322015.2); short protein forms S218P, S338P, S342P, S426P, S529P, S394P, S423P, S477P.
Identifiers: ClinVar variation 923984 (VCV000923984.4), dbSNP rs1783041110, ClinGen allele CA366741542.
Genomic context (GRCh38, chr7:5,987,180, plus strand): 5'-CATCTGAAAAAGAGTCGTCAGTTTTAGGCGCTTTCTCCTGAGAGTCCACATGTTCCTGCG[A>G]GCCCCTGTCCCCTGGGGAGCTGGCCGCATACTCGCTGCTGCAGTGACTGCCCGTGTCTGG-3'
Protein context (NP_000526.2, residues 519-539): YAASSPGDRG[Ser529Pro]QEHVDSQEKA

ClinVar aggregate classification (germline): Uncertain significance (1 of 4 stars; one submission).

Conditions:
Hereditary cancer-predisposing syndrome. Also called: Neoplastic Syndromes, Hereditary; Tumor predisposition; Hereditary Cancer Syndrome; Hereditary neoplastic syndrome. Identifiers: Orphanet 140162, MedGen C0027672, MeSH D009386, MONDO:0015356.

Submission:

Color Diagnostics, LLC DBA Color Health
Classification: Uncertain significance for Hereditary cancer-predisposing syndrome. Last evaluated: 2023-12-04. Review status: criteria provided, single submitter. Criteria: ACMG Guidelines, 2015. Collection method: clinical testing. Allele origin: germline.
Comment: This missense variant replaces serine with proline at codon 529 of the PMS2 protein. Computational prediction suggests that this variant may not impact protein structure and function (internally defined REVEL score threshold <= 0.5, PMID: 27666373). To our knowledge, functional studies have not been reported for this variant. This variant has not been reported in individuals affected with PMS2-related disorders in the literature. This variant has not been identified in the general population by the Genome Aggregation Database (gnomAD). The available evidence is insufficient to determine the role of this variant in disease conclusively. Therefore, this variant is classified as a Variant of Uncertain Significance.